The following is an entry in ClinVar:

ClinVar aggregate classification (germline): Uncertain significance. Review status: criteria provided, multiple submitters, no conflicts (2 of 4 stars). 4 submissions from 4 submitters: Uncertain significance (4). Last evaluated 2026-09-15.

Conditions:
TRIOBP-related disorder. Also called: TRIOBP-related condition.

Allele frequency attached by ClinVar (database versions not stated): TOPMed 0.00004.
gnomAD v4.1: 73 of 1,550,108 alleles (0.0047%); highest among the groups gnomAD compares: Middle Eastern, 0.019%; no homozygotes.

Submissions (4):

PreventionGenetics, part of Exact Sciences
Classification: Uncertain significance for TRIOBP-related condition. Last evaluated: 2026-09-15. Review status: criteria provided, single submitter. Criteria: ACMG Guidelines, 2015. Collection method: clinical testing. Allele origin: germline.
Comment: The TRIOBP c.3911G>A variant is predicted to result in the amino acid substitution p.Arg1304His. To our knowledge, this variant has not been reported in the literature. This variant is reported in 0.016% of alleles in individuals of Latino descent in gnomAD. At this time, the clinical significance of this variant is uncertain due to the absence of conclusive functional and genetic evidence.

GeneDx
Classification: Uncertain significance. Last evaluated: 2025-05-16. Review status: criteria provided, single submitter. Criteria: GeneDx Variant Classification Process June 2021. Collection method: clinical testing. Allele origin: germline. Affected: yes.
Comment: In silico analysis supports that this missense variant has a deleterious effect on protein structure/function; Has not been previously published as pathogenic or benign to our knowledge

Labcorp Genetics (formerly Invitae), Labcorp
Classification: Uncertain significance. Last evaluated: 2025-01-06. Review status: criteria provided, single submitter. Criteria: Invitae Variant Classification Sherloc (09022015). Collection method: clinical testing. Allele origin: germline.
Comment: This sequence change replaces arginine, which is basic and polar, with histidine, which is basic and polar, at codon 1304 of the TRIOBP protein (p.Arg1304His). The frequency data for this variant in the population databases is considered unreliable, as metrics indicate poor data quality at this position in the gnomAD database. This variant has not been reported in the literature in individuals affected with TRIOBP-related conditions. ClinVar contains an entry for this variant (Variation ID: 2415382). An algorithm developed to predict the effect of missense changes on protein structure and function (PolyPhen-2) suggests that this variant is likely to be tolerated. In summary, the available evidence is currently insufficient to determine the role of this variant in disease. Therefore, it has been classified as a Variant of Uncertain Significance.

Blueprint Genetics
Classification: Uncertain significance. Last evaluated: 2024-03-20. Review status: criteria provided, single submitter. Criteria: ACMG Guidelines, 2015. Collection method: clinical testing. Allele origin: germline.

NM_001039141.3(TRIOBP):c.3911G>A (p.Arg1304His)

Gene: TRIOBP (TRIO and F-actin binding protein; plus strand). Cytogenetic location: 22q13.1.
Variant type: single nucleotide variant.
Coding change: c.3911G>A on transcript NM_001039141.3 (MANE Select); coding-DNA position 3911, G replaced by A.
Protein change: p.Arg1304His; replaces arginine 1304 with histidine.
Molecular consequence: missense variant.
Genome position (GRCh38, 1-based): chr22:37,726,467, G>A. VCF-style: chr22-37726467-G-A. GRCh37 (hg19) VCF-style: chr22-38122474-G-A.
Other names: c.3911G>A (NM_001039141.2); short protein forms R1304H.
Identifiers: ClinVar variation 2415382 (VCV002415382.9), dbSNP rs757717377, ClinGen allele CA10224254.
Genomic context (GRCh38, chr22:37,726,467, plus strand): 5'-AGAGACAGCCAGGGCCCCAGGCGCAGTGCAGCAGCGGGGGCCGCACCCACAGCCCTGGCC[G>A]TGCAGAGGTGGAGCGCCTCTTCGGGCAAGAGCGCAGGTGAGCCCGGGGGTGGGGTCAGCC-3'
Protein context (NP_001034230.1, residues 1294-1314): SSGGRTHSPG[Arg1304His]AEVERLFGQE